The following is an entry in ClinVar:

ClinVar aggregate classification (germline): Uncertain significance. Review status: criteria provided, multiple submitters, no conflicts (2 of 4 stars). 3 submissions from 3 submitters: Uncertain significance (3). Last evaluated 2025-11-22.

Conditions:
Dyskeratosis congenita. Identifiers: Orphanet 1775, MedGen C0265965, MONDO:0015780.

Allele frequency attached by ClinVar (database versions not stated): ExAC 0.00004; gnomAD exomes 0.00004 and 0.00014; gnomAD 0.00005 and 0.00006; TOPMed 0.00006; ESP Exome Variant Server 0.00008.

Submissions (3):

Labcorp Genetics (formerly Invitae), Labcorp
Classification: Uncertain significance for Dyskeratosis congenita. Last evaluated: 2025-11-22. Review status: criteria provided, single submitter. Criteria: Invitae Variant Classification Sherloc (09022015). Collection method: clinical testing. Allele origin: germline.
Comment: This sequence change replaces methionine, which is neutral and non-polar, with threonine, which is neutral and polar, at codon 97 of the NHP2 protein (p.Met97Thr). This variant is present in population databases (rs147530082, gnomAD 0.008%). This variant has not been reported in the literature in individuals affected with NHP2-related conditions. ClinVar contains an entry for this variant (Variation ID: 570667). An algorithm developed to predict the effect of missense changes on protein structure and function (PolyPhen-2) suggests that this variant is likely to be disruptive. In summary, the available evidence is currently insufficient to determine the role of this variant in disease. Therefore, it has been classified as a Variant of Uncertain Significance.

Mayo Clinic Laboratories, Mayo Clinic
Classification: Uncertain significance. Last evaluated: 2025-02-07. Review status: criteria provided, single submitter. Criteria: ACMG Guidelines, 2015. Collection method: clinical testing. Allele origin: germline. Observed: 1 variant allele.

Blueprint Genetics
Classification: Uncertain significance. Last evaluated: 2023-12-07. Review status: criteria provided, single submitter. Criteria: ACMG Guidelines, 2015. Collection method: clinical testing. Allele origin: germline.

NM_017838.4(NHP2):c.290T>C (p.Met97Thr)

Gene: NHP2 (NHP2 ribonucleoprotein; minus strand). Cytogenetic location: 5q35.3.
Variant type: single nucleotide variant.
Coding change: c.290T>C on transcript NM_017838.4 (MANE Select); coding-DNA position 290, T replaced by C.
Protein change: p.Met97Thr; replaces methionine 97 with threonine.
Molecular consequence: missense variant. On other transcripts: intron variant (1).
Genome position (GRCh38, 1-based): chr5:178,150,934, A>G on the plus strand (T>C on the coding strand, the complement: NHP2 is on the minus strand). VCF-style: chr5-178150934-A-G. GRCh37 (hg19) VCF-style: chr5-177577935-A-G.
Other names: p.Met97Thr; c.231-1096T>C (NM_001034833.2); short protein forms M97T.
Identifiers: ClinVar variation 570667 (VCV000570667.8), dbSNP rs147530082, ClinGen allele CA3589189.
Genomic context (GRCh38, chr5:178,150,934, plus strand): 5'-CACGTGCTCCTTACCGTCTTAGAGGGGATATAGACATAGGGCAAATTTCGGTCCTCACAC[A>G]TGACTGGGAGATGGCAGTATACCTCAATGGGCAGTGTGTCTCCTGCCAAAACCATGATCC-3'
Protein context (NP_060308.1, residues 87-107): PIEVYCHLPV[Met97Thr]CEDRNLPYVY